The following is an entry in ClinVar:

ClinVar aggregate classification (germline): Uncertain significance. Review status: criteria provided, single submitter (1 of 4 stars). 2 submissions from 2 submitters: Uncertain significance (1). 1 of the submissions does not count toward it. Last evaluated 2025-01-06.

Conditions:
IRF2BP2-related disorder. Also called: IRF2BP2-related condition.

Allele frequency attached by ClinVar (database versions not stated): gnomAD exomes below 0.00001; TOPMed below 0.00001; gnomAD 0.00001.

Submissions (2):

Labcorp Genetics (formerly Invitae), Labcorp
Classification: Uncertain significance. Last evaluated: 2025-01-06. Review status: criteria provided, single submitter. Criteria: Invitae Variant Classification Sherloc (09022015). Collection method: clinical testing. Allele origin: germline.
Comment: This sequence change replaces proline, which is neutral and non-polar, with leucine, which is neutral and non-polar, at codon 390 of the IRF2BP2 protein (p.Pro390Leu). This variant is not present in population databases (gnomAD no frequency). This variant has not been reported in the literature in individuals affected with IRF2BP2-related conditions. ClinVar contains an entry for this variant (Variation ID: 1406635). An algorithm developed to predict the effect of missense changes on protein structure and function (PolyPhen-2) suggests that this variant is likely to be disruptive. In summary, the available evidence is currently insufficient to determine the role of this variant in disease. Therefore, it has been classified as a Variant of Uncertain Significance.

PreventionGenetics, part of Exact Sciences
Classification: Uncertain significance for IRF2BP2-related condition. Last evaluated: 2023-12-27. Review status: no assertion criteria provided. Collection method: clinical testing. Allele origin: germline. Not counted in ClinVar's aggregate classification.
Comment: The IRF2BP2 c.1169C>T variant is predicted to result in the amino acid substitution p.Pro390Leu. To our knowledge, this variant has not been reported in the literature or in a large population database, indicating this variant is rare. At this time, the clinical significance of this variant is uncertain due to the absence of conclusive functional and genetic evidence.

NM_182972.3(IRF2BP2):c.1169C>T (p.Pro390Leu)

Gene: IRF2BP2 (interferon regulatory factor 2 binding protein 2; minus strand). Cytogenetic location: 1q42.3.
Variant type: single nucleotide variant.
Coding change: c.1169C>T on transcript NM_182972.3 (MANE Select); coding-DNA position 1169, C replaced by T.
Protein change: p.Pro390Leu; replaces proline 390 with leucine.
Molecular consequence: missense variant.
Genome position (GRCh38, 1-based): chr1:234,607,732, G>A on the plus strand (C>T on the coding strand, the complement: IRF2BP2 is on the minus strand). VCF-style: chr1-234607732-G-A. GRCh37 (hg19) VCF-style: chr1-234743478-G-A.
Other names: c.1121C>T, p.Pro374Leu (NM_001077397.1); c.1169C>T (NM_182972.2); short protein forms P390L, P374L.
Identifiers: ClinVar variation 1406635 (VCV001406635.9), dbSNP rs1672201885, ClinGen allele CA345306787.